The following is an entry in ClinVar:

NM_006415.4(SPTLC1):c.145C>T (p.Arg49Ter)

Gene: SPTLC1 (serine palmitoyltransferase long chain base subunit 1; minus strand). Cytogenetic location: 9q22.31.
Variant type: single nucleotide variant.
Coding change: c.145C>T on transcript NM_006415.4 (MANE Select); coding-DNA position 145, C replaced by T.
Protein change: p.Arg49Ter; replaces arginine 49 with a stop codon.
Molecular consequence: nonsense. On other transcripts: 5 prime UTR variant (2).
Genome position (GRCh38, 1-based): chr9:92,112,475, G>A on the plus strand (C>T on the coding strand, the complement: SPTLC1 is on the minus strand). VCF-style: chr9-92112475-G-A. GRCh37 (hg19) VCF-style: chr9-94874757-G-A.
Other names: c.145C>T, p.Arg49Ter (NM_001281303.2, NM_178324.3); c.-355C>T (NM_001368272.1); c.-321C>T (NM_001368273.1); short protein forms R49*.
Identifiers: ClinVar variation 1429447 (VCV001429447.7), dbSNP rs995221734, ClinGen allele CA195399536.

ClinVar aggregate classification (germline): Uncertain significance. Review status: criteria provided, multiple submitters, no conflicts (2 of 4 stars). 2 submissions from 2 submitters: Uncertain significance (2). Last evaluated 2025-12-14.

Conditions:
Hereditary sensory and autonomic neuropathy type 1 (HSAN1). Also called: HSAN 1; HSN Type I; Hereditary Sensory Neuropathy Type I. Identifiers: Orphanet 36386, MedGen C0020071, MONDO:0018213.

Allele frequency attached by ClinVar (database versions not stated): gnomAD exomes 0.00001.
gnomAD v4.1: 9 of 1,605,630 alleles (0.00056%); highest among the groups gnomAD compares: South Asian, 0.0033%; no homozygotes.

Submissions (2):

Women's Health and Genetics/Laboratory Corporation of America, LabCorp
Classification: Uncertain significance. Last evaluated: 2025-12-14. Review status: criteria provided, single submitter. Criteria: LabCorp Variant Classification Summary - May 2015. Collection method: clinical testing. Allele origin: germline.
Comment: Variant summary: SPTLC1 c.145C>T (p.Arg49X) results in a premature termination codon, predicted to cause a truncation of the encoded protein or absence of the protein due to nonsense mediated decay, however current evidence is not sufficient to establish loss of function as a mechanism for disease. The variant was absent in 250746 control chromosomes. The available data on variant occurrences in the general population are insufficient to allow any conclusion about variant significance. To our knowledge, no occurrence of c.145C>T in individuals affected with SPTLC1-related conditions and no experimental evidence demonstrating its impact on protein function have been reported. ClinVar contains an entry for this variant (Variation ID: 1429447). Based on the evidence outlined above, the variant was classified as uncertain significance.

Labcorp Genetics (formerly Invitae), Labcorp
Classification: Uncertain significance for Hereditary sensory and autonomic neuropathy type 1. Last evaluated: 2021-04-21. Review status: criteria provided, single submitter. Criteria: Invitae Variant Classification Sherloc (09022015). Collection method: clinical testing. Allele origin: germline.
Comment: This sequence change creates a premature translational stop signal (p.Arg49*) in the SPTLC1 gene. It is expected to result in an absent or disrupted protein product. However, the current clinical and genetic evidence is not sufficient to establish whether loss-of-function variants in SPTLC1 cause disease. This variant is not present in population databases (ExAC no frequency). In summary, the available evidence is currently insufficient to determine the role of this variant in disease. Therefore, it has been classified as a Variant of Uncertain Significance. This variant has not been reported in the literature in individuals with SPTLC1-related conditions.